The following is an entry in ClinVar:

NM_015158.5(KANK1):c.984C>A (p.Asn328Lys)

Gene: KANK1 (KN motif and ankyrin repeat domains 1; plus strand). Cytogenetic location: 9p24.3.
Variant type: single nucleotide variant.
Coding change: c.984C>A on transcript NM_015158.5 (MANE Select); coding-DNA position 984, C replaced by A.
Protein change: p.Asn328Lys; replaces asparagine 328 with lysine.
Molecular consequence: missense variant. On other transcripts: non-coding transcript variant (1).
Genome position (GRCh38, 1-based): chr9:711,750, C>A. VCF-style: chr9-711750-C-A. GRCh37 (hg19) VCF-style: chr9-711750-C-A.
Other names: c.984C>A, p.Asn328Lys (NM_001256876.3, NM_001256877.3, NM_001354331.2 and 2 more transcripts); c.510C>A, p.Asn170Lys (NM_001354333.2, NM_001354335.2, NM_001354336.2 and 9 more transcripts); c.984C>A (NM_015158.3); short protein forms N170K, N328K.
Identifiers: ClinVar variation 2376802 (VCV002376802.6), dbSNP rs538681873, ClinGen allele CA4960091.

ClinVar aggregate classification (germline): Uncertain significance. Review status: criteria provided, multiple submitters, no conflicts (2 of 4 stars). 3 submissions from 3 submitters: Uncertain significance (2). 1 of the submissions does not count toward it. Last evaluated 2024-02-03.

Conditions:
KANK1-related disorder. Also called: KANK1-related condition.

Submissions (3):

Labcorp Genetics (formerly Invitae), Labcorp
Classification: Uncertain significance. Last evaluated: 2024-02-03. Review status: criteria provided, single submitter. Criteria: Invitae Variant Classification Sherloc (09022015). Collection method: clinical testing. Allele origin: germline.
Comment: This sequence change replaces asparagine, which is neutral and polar, with lysine, which is basic and polar, at codon 328 of the KANK1 protein (p.Asn328Lys). This variant is present in population databases (rs538681873, gnomAD 0.04%). This variant has not been reported in the literature in individuals affected with KANK1-related conditions. ClinVar contains an entry for this variant (Variation ID: 2376802). Advanced modeling of protein sequence and biophysical properties (such as structural, functional, and spatial information, amino acid conservation, physicochemical variation, residue mobility, and thermodynamic stability) has been performed at Invitae for this missense variant, however the output from this modeling did not meet the statistical confidence thresholds required to predict the impact of this variant on KANK1 protein function. In summary, the available evidence is currently insufficient to determine the role of this variant in disease. Therefore, it has been classified as a Variant of Uncertain Significance.

Ambry Genetics
Classification: Uncertain significance. Last evaluated: 2022-01-04. Review status: criteria provided, single submitter. Criteria: Ambry Variant Classification Scheme 2023. Collection method: clinical testing. Allele origin: germline.

PreventionGenetics, part of Exact Sciences
Classification: Uncertain significance for KANK1-related condition. Last evaluated: 2024-03-15. Review status: no assertion criteria provided. Collection method: clinical testing. Allele origin: germline. Not counted in ClinVar's aggregate classification.
Comment: The KANK1 c.984C>A variant is predicted to result in the amino acid substitution p.Asn328Lys. To our knowledge, this variant has not been reported in the literature. This variant is reported in 0.046% of alleles in individuals of Latino descent in gnomAD. At this time, the clinical significance of this variant is uncertain due to the absence of conclusive functional and genetic evidence.